The following is an entry in ClinVar:

NM_005529.7(HSPG2):c.2685+4C>T

Gene: HSPG2 (heparan sulfate proteoglycan 2; minus strand). Cytogenetic location: 1p36.12.
Variant type: single nucleotide variant.
Coding change: c.2685+4C>T on transcript NM_005529.7 (MANE Select); 4 bases into the intron after coding-DNA position 2685, C replaced by T.
Molecular consequence: intron variant.
Genome position (GRCh38, 1-based): chr1:21,878,182, G>A on the plus strand (C>T on the coding strand, the complement: HSPG2 is on the minus strand). VCF-style: chr1-21878182-G-A. GRCh37 (hg19) VCF-style: chr1-22204675-G-A.
Other names: c.2688+4C>T (NM_001291860.2).
Identifiers: ClinVar variation 1439818 (VCV001439818.6), dbSNP rs375038101, ClinGen allele CA672919.

ClinVar aggregate classification (germline): Uncertain significance (1 of 4 stars; one submission).

Allele frequency attached by ClinVar (database versions not stated): gnomAD 0.00003; TOPMed 0.00003; ESP Exome Variant Server 0.00008.
gnomAD v4.1: 29 of 1,613,294 alleles (0.0018%); highest among the groups gnomAD compares: African/African-American, 0.0027%; no homozygotes.

Submission:

Labcorp Genetics (formerly Invitae), Labcorp
Classification: Uncertain significance. Last evaluated: 2024-01-12. Review status: criteria provided, single submitter. Criteria: Invitae Variant Classification Sherloc (09022015). Collection method: clinical testing. Allele origin: germline.
Comment: This sequence change falls in intron 21 of the HSPG2 gene. It does not directly change the encoded amino acid sequence of the HSPG2 protein. It affects a nucleotide within the consensus splice site. This variant is present in population databases (rs375038101, gnomAD 0.004%). This variant has not been reported in the literature in individuals affected with HSPG2-related conditions. ClinVar contains an entry for this variant (Variation ID: 1439818). Variants that disrupt the consensus splice site are a relatively common cause of aberrant splicing (PMID: 17576681, 9536098). Algorithms developed to predict the effect of sequence changes on RNA splicing suggest that this variant is not likely to affect RNA splicing. In summary, the available evidence is currently insufficient to determine the role of this variant in disease. Therefore, it has been classified as a Variant of Uncertain Significance.

Literature cited by the submitters: PubMed 17576681; PubMed 9536098.